The following is an entry in ClinVar:

NM_014639.4(SKIC3):c.3850_3854del (p.Asp1284fs)

Gene: SKIC3 (SKI3 subunit of superkiller complex; minus strand). Cytogenetic location: 5q15.
Variant type: Deletion.
Coding change: c.3850_3854del on transcript NM_014639.4 (MANE Select); coding-DNA positions 3850 to 3854, 5 bases deleted (GATAA; older notation c.3850_3854delGATAA).
Protein change: p.Asp1284fs; shifts the reading frame from aspartic acid 1284.
Molecular consequence: frameshift variant.
Genome position (GRCh38, 1-based): chr5:95,490,985-95,490,989, TTATC deleted on the plus strand (GATAA on the coding strand, the reverse complement: SKIC3 is on the minus strand). VCF-style (leftmost placement, unchanged base first): chr5-95490984-TTTATC-T. GRCh37 (hg19) VCF-style: chr5-94826688-TTTATC-T.
Other names: short protein forms D1284fs.
Identifiers: ClinVar variation 2655594 (VCV002655594.24), dbSNP rs2530705934, ClinGen allele CA2695198704.

ClinVar aggregate classification (germline): Pathogenic (1 of 4 stars; one submission).

Submission:

CeGaT Center for Human Genetics Tuebingen
Classification: Pathogenic. Last evaluated: 2023-09-01. Review status: criteria provided, single submitter. Criteria: CeGaT Center For Human Genetics Tuebingen Variant Classification Criteria Version 2. Collection method: clinical testing. Allele origin: germline. Affected: yes. Observed: 1 variant allele.
Comment: SKIC3: PVS1, PM2